The following is an entry in ClinVar:

ClinVar aggregate classification (germline): Conflicting classifications of pathogenicity. Review status: criteria provided, conflicting classifications (1 of 4 stars). 3 submissions from 3 submitters: Uncertain significance (2); Likely benign (1). Last evaluated 2025-09-24.

Conditions:
Inborn genetic diseases. Identifiers: MedGen C0950123, MeSH D030342.

Allele frequency attached by ClinVar (database versions not stated): ExAC 0.00007; gnomAD 0.00012; TOPMed 0.00014; ESP Exome Variant Server 0.00016; 1000 Genomes Project 0.00020.
gnomAD v4.1: 88 of 1,614,136 alleles (0.0055%); highest among the groups gnomAD compares: African/African-American, 0.032%; no homozygotes.

Submissions (3):

Ambry Genetics
Classification: Likely benign for Inborn genetic diseases. Last evaluated: 2025-09-24. Review status: criteria provided, single submitter. Criteria: Ambry Variant Classification Scheme 2023. Collection method: clinical testing. Allele origin: germline.

Labcorp Genetics (formerly Invitae), Labcorp
Classification: Uncertain significance. Last evaluated: 2024-12-16. Review status: criteria provided, single submitter. Criteria: Invitae Variant Classification Sherloc (09022015). Collection method: clinical testing. Allele origin: germline.
Comment: This sequence change replaces valine, which is neutral and non-polar, with methionine, which is neutral and non-polar, at codon 72 of the RP1L1 protein (p.Val72Met). This variant is present in population databases (rs374370511, gnomAD 0.03%). This variant has not been reported in the literature in individuals affected with RP1L1-related conditions. ClinVar contains an entry for this variant (Variation ID: 1428571). Invitae Evidence Modeling of protein sequence and biophysical properties (such as structural, functional, and spatial information, amino acid conservation, physicochemical variation, residue mobility, and thermodynamic stability) indicates that this missense variant is not expected to disrupt RP1L1 protein function with a negative predictive value of 80%. In summary, the available evidence is currently insufficient to determine the role of this variant in disease. Therefore, it has been classified as a Variant of Uncertain Significance.

Blueprint Genetics
Classification: Uncertain significance. Last evaluated: 2024-11-21. Review status: criteria provided, single submitter. Criteria: ACMG Guidelines, 2015. Collection method: clinical testing. Allele origin: germline.

NM_178857.6(RP1L1):c.214G>A (p.Val72Met)

Gene: RP1L1 (RP1 like 1). Cytogenetic location: 8p23.1.
Variant type: single nucleotide variant.
Coding change: c.214G>A on transcript NM_178857.6 (MANE Select); coding-DNA position 214, G replaced by A.
Protein change: p.Val72Met; replaces valine 72 with methionine.
Molecular consequence: missense variant.
Genome position (GRCh38, 1-based): chr8:10,622,988, C>T on the plus strand (G>A on the coding strand, the complement: RP1L1 is on the minus strand). VCF-style: chr8-10622988-C-T. GRCh37 (hg19) VCF-style: chr8-10480498-C-T.
Other names: c.214G>A (NM_178857.5); short protein forms V72M.
Identifiers: ClinVar variation 1428571 (VCV001428571.10), dbSNP rs374370511, ClinGen allele CA4625817.